The following is an entry in ClinVar:

NM_014112.5(TRPS1):c.1168A>T (p.Lys390Ter)

Gene: TRPS1 (transcriptional repressor GATA binding 1; minus strand). Cytogenetic location: 8q23.3.
Variant type: single nucleotide variant.
Coding change: c.1168A>T on transcript NM_014112.5 (MANE Select); coding-DNA position 1168, A replaced by T.
Protein change: p.Lys390Ter; replaces lysine 390 with a stop codon.
Molecular consequence: nonsense.
Genome position (GRCh38, 1-based): chr8:115,604,801, T>A on the plus strand (A>T on the coding strand, the complement: TRPS1 is on the minus strand). VCF-style: chr8-115604801-T-A. GRCh37 (hg19) VCF-style: chr8-116617028-T-A.
Other names: c.1129A>T, p.Lys377Ter (NM_001330599.2); c.1141A>T, p.Lys381Ter (NM_001282902.3); c.1147A>T, p.Lys383Ter (NM_001282903.3); short protein forms K377*, K381*, K383*, K390*.
Identifiers: ClinVar variation 3757862 (VCV003757862.3).

ClinVar aggregate classification (germline): Pathogenic. Review status: criteria provided, multiple submitters, no conflicts (2 of 4 stars). 2 submissions from 2 submitters: Pathogenic (2). Last evaluated 2025-10-13.

Conditions:
Trichorhinophalangeal dysplasia type I (TRPS1). Also called: TRICHORHINOPHALANGEAL SYNDROME, TYPE I; TRPS I. Identifiers: Orphanet 77258, MedGen C0432233, MONDO:0008596, OMIM 190350.
Trichorhinophalangeal syndrome, type III (TRPS3). Also called: SUGIO-KAJII SYNDROME. Identifiers: Orphanet 77258, MedGen C1860823, OMIM 190351, MONDO:0008597.

Submissions (2):

Department of Genetics, Rouen University Hospital, Normandy Center for Genomic and Personalized Medicine
Classification: Pathogenic for Trichorhinophalangeal dysplasia type I. Last evaluated: 2025-10-13. Review status: criteria provided, single submitter. Criteria: ACMG Guidelines, 2015. Collection method: clinical testing. Allele origin: paternal. Affected: yes.

Labcorp Genetics (formerly Invitae), Labcorp
Classification: Pathogenic for Trichorhinophalangeal syndrome, type III; Trichorhinophalangeal dysplasia type I. Last evaluated: 2024-08-28. Review status: criteria provided, single submitter. Criteria: Invitae Variant Classification Sherloc (09022015). Collection method: clinical testing. Allele origin: germline.
Comment: This sequence change creates a premature translational stop signal (p.Lys390*) in the TRPS1 gene. It is expected to result in an absent or disrupted protein product. Loss-of-function variants in TRPS1 are known to be pathogenic (PMID: 11112658). This variant is not present in population databases (gnomAD no frequency). This variant has not been reported in the literature in individuals affected with TRPS1-related conditions. For these reasons, this variant has been classified as Pathogenic.

Literature cited by the submitters: PubMed 11112658 (cited by Labcorp Genetics (formerly Invitae), Labcorp).